The following is an entry in ClinVar:

NM_001876.4(CPT1A):c.1762_1766dup (p.Tyr589Ter)

Gene: CPT1A (carnitine palmitoyltransferase 1A; minus strand). Cytogenetic location: 11q13.3.
Variant type: Duplication.
Coding change: c.1762_1766dup on transcript NM_001876.4 (MANE Select); coding-DNA positions 1762 to 1766, 5 bases duplicated (ACATA; older notation c.1762_1766dupACATA).
Protein change: p.Tyr589Ter; replaces tyrosine 589 with a stop codon.
Molecular consequence: nonsense.
Genome position (GRCh38, 1-based): chr11:68,762,736-68,762,740, TATGT duplicated on the plus strand (ACATA on the coding strand, the reverse complement: CPT1A is on the minus strand). VCF-style (leftmost placement, unchanged base first): chr11-68762735-G-GTATGT. GRCh37 (hg19) VCF-style: chr11-68530203-G-GTATGT.
Other names: c.1762_1766dup (NM_001876.3); c.1762_1766dup, p.Tyr589Ter (NM_001031847.3); short protein forms Y589*.
Identifiers: ClinVar variation 1452946 (VCV001452946.10), dbSNP rs2153995212, ClinGen allele CA2573147674.

ClinVar aggregate classification (germline): Pathogenic/Likely pathogenic. Review status: criteria provided, multiple submitters, no conflicts (2 of 4 stars). 4 submissions from 4 submitters: Pathogenic (3); Likely pathogenic (1). Last evaluated 2025-12-01.

Conditions:
Carnitine palmitoyl transferase 1A deficiency. Also called: Carnitine palmitoyltransferase type I deficiency; CPT deficiency, hepatic, type IA; CPT I DEFICIENCY; CPT DEFICIENCY, HEPATIC, TYPE I; Carnitine palmitoyltransferase 1A deficiency. Identifiers: Orphanet 156, MedGen C1829703, MONDO:0009705, OMIM 255120.

Submissions (4):

Natera, Inc.
Classification: Likely pathogenic for Carnitine palmitoyltransferase type I deficiency. Last evaluated: 2025-12-01. Review status: criteria provided, single submitter. Criteria: Natera Variant Classification Schema (03/2026). Collection method: clinical testing. Allele origin: germline.
Comment: The c.1762_1766dup variant in CPT1A is a frameshift variant predicted to shift the reading frame and introduce a stop codon. This variant is expected to result in nonsense mediated decay, truncation, or a dysfunctional protein product. This variant is rare in the general population with a frequency below the threshold expected for the associated phenotype(s). Given the available evidence, this variant is classified as Likely Pathogenic.

Myriad Genetics, Inc.
Classification: Pathogenic for Carnitine palmitoyl transferase 1A deficiency. Last evaluated: 2025-01-13. Review status: criteria provided, single submitter. Criteria: Myriad Autosomal Dominant, Autosomal Recessive and X-Linked Classification Criteria (2023). Collection method: clinical testing. Allele origin: unknown.
Comment: NM_001876.3(CPT1A):c.1762_1766dup5(Y589*) is a frameshift variant classified as pathogenic in the context of carnitine palmitoyltransferase IA deficiency. Y589* has been observed in a case with relevant disease (PMID: 23430491). Relevant functional assessments of this variant are not available in the literature. Y589* has not been observed in referenced population frequency databases. In summary, NM_001876.3(CPT1A):c.1762_1766dup5(Y589*) is a frameshift variant in a gene where loss of function is a known mechanism of disease, is predicted to disrupt protein function, and has been observed more frequently in cases with the relevant disease than in healthy populations. Please note: this variant was assessed in the context of healthy population screening.

Baylor Genetics
Classification: Pathogenic for Carnitine palmitoyl transferase 1A deficiency. Last evaluated: 2023-06-19. Review status: criteria provided, single submitter. Criteria: ACMG Guidelines, 2015. Collection method: clinical testing. Allele origin: unknown.

Labcorp Genetics (formerly Invitae), Labcorp
Classification: Pathogenic for Carnitine palmitoyl transferase 1A deficiency. Last evaluated: 2021-08-08. Review status: criteria provided, single submitter. Criteria: Invitae Variant Classification Sherloc (09022015). Collection method: clinical testing. Allele origin: germline.
Comment: This sequence change creates a premature translational stop signal (p.Tyr589*) in the CPT1A gene. It is expected to result in an absent or disrupted protein product. Loss-of-function variants in CPT1A are known to be pathogenic (PMID: 16169268). This variant is not present in population databases (ExAC no frequency). This premature translational stop signal has been observed in individual(s) with carnitine palmitoyltransferase Ia deficiency (PMID: 23430491). This variant is also known as c.1766_1767insACATA. For these reasons, this variant has been classified as Pathogenic.

Literature cited by the submitters: PubMed 23430491 (cited by Myriad Genetics, Inc. and Labcorp Genetics (formerly Invitae), Labcorp); PubMed 16169268 (cited by Labcorp Genetics (formerly Invitae), Labcorp).